The following is an entry in ClinVar:

NM_004370.6(COL12A1):c.8494C>T (p.Pro2832Ser)

Gene: COL12A1 (collagen type XII alpha 1 chain; minus strand). Cytogenetic location: 6q13.
Variant type: single nucleotide variant.
Coding change: c.8494C>T on transcript NM_004370.6 (MANE Select); coding-DNA position 8494, C replaced by T.
Protein change: p.Pro2832Ser; replaces proline 2832 with serine.
Molecular consequence: missense variant.
Genome position (GRCh38, 1-based): chr6:75,101,629, G>A on the plus strand (C>T on the coding strand, the complement: COL12A1 is on the minus strand). VCF-style: chr6-75101629-G-A. GRCh37 (hg19) VCF-style: chr6-75811345-G-A.
Other names: c.5002C>T, p.Pro1668Ser (NM_080645.3); short protein forms P1668S, P2832S.
Identifiers: ClinVar variation 1011755 (VCV001011755.9), dbSNP rs376931672, ClinGen allele CA3892244.

ClinVar aggregate classification (germline): Uncertain significance (1 of 4 stars; one submission).

Conditions:
Ullrich congenital muscular dystrophy 2 (UCMD2). Identifiers: Orphanet 75840, MedGen C4225314, MONDO:0014654, OMIM 616470.
Bethlem myopathy 2 (BTHLM2). Identifiers: Orphanet 536516, Orphanet 610, MedGen C4225313, MONDO:0034022, OMIM 616471.

Allele frequency attached by ClinVar (database versions not stated): ExAC 0.00002; ESP Exome Variant Server 0.00008; gnomAD exomes 0.00001; TOPMed 0.00001.
gnomAD v4.1: 16 of 1,613,874 alleles (0.00099%); highest among the groups gnomAD compares: Non-Finnish European, 0.0014%; no homozygotes.

Submission:

Labcorp Genetics (formerly Invitae), Labcorp
Classification: Uncertain significance for Bethlem myopathy 2; Ullrich congenital muscular dystrophy 2. Last evaluated: 2026-01-04. Review status: criteria provided, single submitter. Criteria: Invitae Variant Classification Sherloc (09022015). Collection method: clinical testing. Allele origin: germline.
Comment: This sequence change replaces proline, which is neutral and non-polar, with serine, which is neutral and polar, at codon 2832 of the COL12A1 protein (p.Pro2832Ser). This variant is present in population databases (rs376931672, gnomAD 0.003%). This variant has not been reported in the literature in individuals affected with COL12A1-related conditions. ClinVar contains an entry for this variant (Variation ID: 1011755). An algorithm developed to predict the effect of missense changes on protein structure and function (PolyPhen-2) suggests that this variant is likely to be disruptive. In summary, the available evidence is currently insufficient to determine the role of this variant in disease. Therefore, it has been classified as a Variant of Uncertain Significance.